The following is an entry in ClinVar:

ClinVar aggregate classification (germline): Benign/Likely benign. Review status: criteria provided, multiple submitters, no conflicts (2 of 4 stars). 6 submissions from 6 submitters: Benign (2); Likely benign (3). 1 of the submissions does not count toward it. Last evaluated 2025-12-26.

Conditions:
Cardiovascular phenotype. Identifiers: MedGen CN230736.
DiGeorge syndrome. Also called: THIRD AND FOURTH PHARYNGEAL POUCH SYNDROME; Catch22. Identifiers: Orphanet 567, MedGen C0012236, MONDO:0008564, OMIM 188400.
TBX1-related disorder. Also called: TBX1-Related Disorders; TBX1-related condition.

Allele frequency attached by ClinVar (database versions not stated): 1000 Genomes Project 0.00020; TOPMed 0.00021; gnomAD 0.00024 and 0.00029; 1000 Genomes Project 30x 0.00031; ESP Exome Variant Server 0.00031; ExAC 0.00034; gnomAD exomes 0.00037 and 0.00042.

Submissions (6):

Labcorp Genetics (formerly Invitae), Labcorp
Classification: Benign for DiGeorge syndrome. Last evaluated: 2025-12-26. Review status: criteria provided, single submitter. Criteria: Invitae Variant Classification Sherloc (09022015). Collection method: clinical testing. Allele origin: germline.

Ambry Genetics
Classification: Likely benign for Cardiovascular phenotype. Last evaluated: 2025-04-09. Review status: criteria provided, single submitter. Criteria: Ambry Variant Classification Scheme 2023. Collection method: clinical testing. Allele origin: germline.

Blueprint Genetics
Classification: Likely benign. Last evaluated: 2024-10-18. Review status: criteria provided, single submitter. Criteria: ACMG Guidelines, 2015. Collection method: clinical testing. Allele origin: germline.

CeGaT Center for Human Genetics Tuebingen
Classification: Benign. Last evaluated: 2023-03-01. Review status: criteria provided, single submitter. Criteria: CeGaT Center For Human Genetics Tuebingen Variant Classification Criteria Version 2. Collection method: clinical testing. Allele origin: germline. Affected: yes. Observed: 1 variant allele.
Comment: TBX1: BP4, BP7, BS1, BS2

GeneDx
Classification: Likely benign. Last evaluated: 2020-03-30. Review status: criteria provided, single submitter. Criteria: GeneDx Variant Classification Process June 2021. Collection method: clinical testing. Allele origin: germline. Affected: yes.

PreventionGenetics, part of Exact Sciences
Classification: Likely benign for TBX1-related condition. Last evaluated: 2024-08-22. Review status: no assertion criteria provided. Collection method: clinical testing. Allele origin: germline. Not counted in ClinVar's aggregate classification.
Comment: This variant is classified as likely benign based on ACMG/AMP sequence variant interpretation guidelines (Richards et al. 2015 PMID: 25741868, with internal and published modifications).

NM_001379200.1(TBX1):c.705C>T (p.Asn235=)

Gene: TBX1 (T-box transcription factor 1; plus strand). Cytogenetic location: 22q11.21.
Variant type: single nucleotide variant.
Coding change: c.705C>T on transcript NM_001379200.1 (MANE Select); coding-DNA position 705, C replaced by T.
Protein change: p.Asn235=; no amino-acid change (asparagine 235 retained).
Molecular consequence: synonymous variant.
Genome position (GRCh38, 1-based): chr22:19,764,320, C>T. VCF-style: chr22-19764320-C-T. GRCh37 (hg19) VCF-style: chr22-19751843-C-T.
Other names: c.678C>T, p.Asn226= (NM_005992.1, NM_080646.2, NM_080647.1).
Identifiers: ClinVar variation 695434 (VCV000695434.37), dbSNP rs149453540, ClinGen allele CA10102525.